The following is an entry in ClinVar:

NM_005918.4(MDH2):c.932T>C (p.Phe311Ser)

Gene: MDH2 (malate dehydrogenase 2; plus strand). Cytogenetic location: 7q11.23.
Variant type: single nucleotide variant.
Coding change: c.932T>C on transcript NM_005918.4 (MANE Select); coding-DNA position 932, T replaced by C.
Protein change: p.Phe311Ser; replaces phenylalanine 311 with serine.
Molecular consequence: missense variant.
Genome position (GRCh38, 1-based): chr7:76,066,325, T>C. VCF-style: chr7-76066325-T-C. GRCh37 (hg19) VCF-style: chr7-75695643-T-C.
Other names: c.806T>C, p.Phe269Ser (NM_001282403.2); c.611T>C, p.Phe204Ser (NM_001282404.2); c.932T>C (NM_005918.2); short protein forms F204S, F311S, F269S.
Identifiers: ClinVar variation 1393849 (VCV001393849.8), dbSNP rs782353063, ClinGen allele CA4305774.

ClinVar aggregate classification (germline): Uncertain significance. Review status: criteria provided, multiple submitters, no conflicts (2 of 4 stars). 2 submissions from 2 submitters: Uncertain significance (2). Last evaluated 2024-10-29.

Conditions:
Inborn genetic diseases. Identifiers: MedGen C0950123, MeSH D030342.

Allele frequency attached by ClinVar (database versions not stated): ExAC 0.00002; gnomAD exomes 0.00002 and 0.00003; gnomAD 0.00003; TOPMed 0.00003.
gnomAD v4.1: 44 of 1,610,576 alleles (0.0027%); highest among the groups gnomAD compares: African/African-American, 0.0041%; no homozygotes.

Submissions (2):

Ambry Genetics
Classification: Uncertain significance for Inborn genetic diseases. Last evaluated: 2024-10-29. Review status: criteria provided, single submitter. Criteria: Ambry Variant Classification Scheme 2023. Collection method: clinical testing. Allele origin: germline.

Labcorp Genetics (formerly Invitae), Labcorp
Classification: Uncertain significance. Last evaluated: 2024-04-22. Review status: criteria provided, single submitter. Criteria: Invitae Variant Classification Sherloc (09022015). Collection method: clinical testing. Allele origin: germline.
Comment: This sequence change replaces phenylalanine, which is neutral and non-polar, with serine, which is neutral and polar, at codon 311 of the MDH2 protein (p.Phe311Ser). This variant is present in population databases (rs782353063, gnomAD 0.004%). This variant has not been reported in the literature in individuals affected with MDH2-related conditions. ClinVar contains an entry for this variant (Variation ID: 1393849). Advanced modeling of protein sequence and biophysical properties (such as structural, functional, and spatial information, amino acid conservation, physicochemical variation, residue mobility, and thermodynamic stability) performed at Invitae indicates that this missense variant is not expected to disrupt MDH2 protein function with a negative predictive value of 80%. In summary, the available evidence is currently insufficient to determine the role of this variant in disease. Therefore, it has been classified as a Variant of Uncertain Significance.